The following is an entry in ClinVar:

NM_015721.3(GEMIN4):c.2346C>G (p.Phe782Leu)

Gene: GEMIN4 (gem nuclear organelle associated protein 4; minus strand). Cytogenetic location: 17p13.3.
Variant type: single nucleotide variant.
Coding change: c.2346C>G on transcript NM_015721.3 (MANE Select); coding-DNA position 2346, C replaced by G.
Protein change: p.Phe782Leu; replaces phenylalanine 782 with leucine.
Molecular consequence: missense variant.
Genome position (GRCh38, 1-based): chr17:745,697, G>C on the plus strand (C>G on the coding strand, the complement: GEMIN4 is on the minus strand). VCF-style: chr17-745697-G-C. GRCh37 (hg19) VCF-style: chr17-648937-G-C.
Other names: short protein forms F782L.
Identifiers: ClinVar variation 787987 (VCV000787987.7), dbSNP rs34452716, ClinGen allele CA8262436.

ClinVar aggregate classification (germline): Benign. Review status: criteria provided, multiple submitters, no conflicts (2 of 4 stars). 3 submissions from 3 submitters: Benign (2). 1 of the submissions does not count toward it. Last evaluated 2019-12-31.

Conditions:
GEMIN4-related disorder. Also called: GEMIN4-related condition.

Allele frequency attached by ClinVar (database versions not stated): 1000 Genomes Project 0.00319; 1000 Genomes Project 30x 0.00375; TOPMed 0.00556; ESP Exome Variant Server 0.00580.
gnomAD v4.1: 1,436 of 1,599,256 alleles (0.09%); highest among the groups gnomAD compares: African/African-American, 1.7%; 14 homozygotes.

Submissions (3):

Labcorp Genetics (formerly Invitae), Labcorp
Classification: Benign. Last evaluated: 2019-12-31. Review status: criteria provided, single submitter. Criteria: Invitae Variant Classification Sherloc (09022015). Collection method: clinical testing. Allele origin: germline.

Breakthrough Genomics
Classification: Benign. Review status: criteria provided, single submitter. Criteria: ACMG Guidelines, 2015. Collection method: not provided. Allele origin: germline. Inheritance: Autosomal recessive inheritance. Affected: yes.

PreventionGenetics, part of Exact Sciences
Classification: Benign for GEMIN4-related condition. Last evaluated: 2019-04-10. Review status: no assertion criteria provided. Collection method: clinical testing. Allele origin: germline. Not counted in ClinVar's aggregate classification.
Comment: This variant is classified as benign based on ACMG/AMP sequence variant interpretation guidelines (Richards et al. 2015 PMID: 25741868, with internal and published modifications).